The following is an entry in ClinVar:

ClinVar aggregate classification (germline): Uncertain significance. Review status: criteria provided, single submitter (1 of 4 stars). 2 submissions from 2 submitters: Uncertain significance (1). 1 of the submissions does not count toward it. Last evaluated 2024-06-11.

Conditions:
NPHS1-related disorder. Also called: NPHS1-related condition.
Finnish congenital nephrotic syndrome (NPHS1). Also called: NEPHROTIC SYNDROME, TYPE 1. Identifiers: Orphanet 839, MedGen C0403399, MONDO:0009732, OMIM 256300.

gnomAD v4.1: 67 of 1,602,242 alleles (0.0042%); highest among the groups gnomAD compares: Non-Finnish European, 0.0054%; no homozygotes.

Submissions (2):

Fulgent Genetics
Classification: Uncertain significance for Finnish congenital nephrotic syndrome. Last evaluated: 2024-06-11. Review status: criteria provided, single submitter. Criteria: ACMG Guidelines, 2015. Collection method: clinical testing. Allele origin: germline.

PreventionGenetics, part of Exact Sciences
Classification: Likely benign for NPHS1-related condition. Last evaluated: 2024-05-14. Review status: no assertion criteria provided. Collection method: clinical testing. Allele origin: germline. Not counted in ClinVar's aggregate classification.
Comment: This variant is classified as likely benign based on ACMG/AMP sequence variant interpretation guidelines (Richards et al. 2015 PMID: 25741868, with internal and published modifications).

NM_004646.4(NPHS1):c.609-9T>G

Gene: NPHS1 (NPHS1 adhesion molecule, nephrin; minus strand). Cytogenetic location: 19q13.12.
Variant type: single nucleotide variant.
Coding change: c.609-9T>G on transcript NM_004646.4 (MANE Select); 9 bases into the intron before coding-DNA position 609, T replaced by G.
Molecular consequence: intron variant.
Genome position (GRCh38, 1-based): chr19:35,849,662, A>C on the plus strand (T>G on the coding strand, the complement: NPHS1 is on the minus strand). VCF-style: chr19-35849662-A-C. GRCh37 (hg19) VCF-style: chr19-36340564-A-C.
Identifiers: ClinVar variation 3356888 (VCV003356888.2).